The following is an entry in ClinVar:

NM_005993.5(TBCD):c.3466A>G (p.Ser1156Gly)

Gene: TBCD (tubulin folding cofactor D). Cytogenetic location: 17q25.3.
Variant type: single nucleotide variant.
Coding change: c.3466A>G on transcript NM_005993.5 (MANE Select); coding-DNA position 3466, A replaced by G.
Protein change: p.Ser1156Gly; replaces serine 1156 with glycine.
Molecular consequence: missense variant.
Genome position (GRCh38, 1-based): chr17:82,939,463, A>G. VCF-style: chr17-82939463-A-G. GRCh37 (hg19) VCF-style: chr17-80897339-A-G.
Other names: c.3415A>G, p.Ser1139Gly (NM_001411101.1); c.3385A>G, p.Ser1129Gly (NM_001411102.1); c.3466A>G (NM_005993.4); short protein forms S1129G, S1139G, S1156G.
Identifiers: ClinVar variation 1927976 (VCV001927976.4), dbSNP rs2062932122, ClinGen allele CA401636791.

ClinVar aggregate classification (germline): Uncertain significance. Review status: criteria provided, multiple submitters, no conflicts (2 of 4 stars). 3 submissions from 3 submitters: Uncertain significance (3). Last evaluated 2025-11-26.

Conditions:
TBCD-related disorder. Also called: TBCD-related condition.
Inborn genetic diseases. Identifiers: MedGen C0950123, MeSH D030342.

Allele frequency attached by ClinVar (database versions not stated): gnomAD exomes below 0.00001; gnomAD 0.00001; TOPMed 0.00002.
gnomAD v4.1: 3 of 1,613,128 alleles (0.00019%); highest among the groups gnomAD compares: African/African-American, 0.004%; no homozygotes.

Submissions (3):

Ambry Genetics
Classification: Uncertain significance for Inborn genetic diseases. Last evaluated: 2025-11-26. Review status: criteria provided, single submitter. Criteria: Ambry Variant Classification Scheme 2023. Collection method: clinical testing. Allele origin: germline.

PreventionGenetics, part of Exact Sciences
Classification: Uncertain significance for TBCD-related condition. Last evaluated: 2024-11-14. Review status: criteria provided, single submitter. Criteria: ACMG Guidelines, 2015. Collection method: clinical testing. Allele origin: germline.
Comment: The TBCD c.3466A>G variant is predicted to result in the amino acid substitution p.Ser1156Gly. To our knowledge, this variant has not been reported in the literature or in a large population database (gnomAD), indicating this variant is rare. At this time, the clinical significance of this variant is uncertain due to the absence of conclusive functional and genetic evidence.

Labcorp Genetics (formerly Invitae), Labcorp
Classification: Uncertain significance. Last evaluated: 2022-07-14. Review status: criteria provided, single submitter. Criteria: Invitae Variant Classification Sherloc (09022015). Collection method: clinical testing. Allele origin: germline.
Comment: This sequence change replaces serine, which is neutral and polar, with glycine, which is neutral and non-polar, at codon 1156 of the TBCD protein (p.Ser1156Gly). This variant is not present in population databases (gnomAD no frequency). This variant has not been reported in the literature in individuals affected with TBCD-related conditions. Algorithms developed to predict the effect of missense changes on protein structure and function output the following: SIFT: "Tolerated"; PolyPhen-2: "Benign"; Align-GVGD: "Class C0". The glycine amino acid residue is found in multiple mammalian species, which suggests that this missense change does not adversely affect protein function. In summary, the available evidence is currently insufficient to determine the role of this variant in disease. Therefore, it has been classified as a Variant of Uncertain Significance.